The following is an entry in ClinVar:

NM_000081.4(LYST):c.2438G>A (p.Arg813Gln)

Gene: LYST (lysosomal trafficking regulator; minus strand). Cytogenetic location: 1q42.3.
Variant type: single nucleotide variant.
Coding change: c.2438G>A on transcript NM_000081.4 (MANE Select); coding-DNA position 2438, G replaced by A.
Protein change: p.Arg813Gln; replaces arginine 813 with glutamine.
Molecular consequence: missense variant.
Genome position (GRCh38, 1-based): chr1:235,806,698, C>T on the plus strand (G>A on the coding strand, the complement: LYST is on the minus strand). VCF-style: chr1-235806698-C-T. GRCh37 (hg19) VCF-style: chr1-235969998-C-T.
Other names: c.2438G>A, p.Arg813Gln (NM_001301365.1); short protein forms R813Q.
Identifiers: ClinVar variation 648223 (VCV000648223.14), dbSNP rs558162561, ClinGen allele CA1467278.

ClinVar aggregate classification (germline): Uncertain significance. Review status: criteria provided, multiple submitters, no conflicts (2 of 4 stars). 4 submissions from 4 submitters: Uncertain significance (4). Last evaluated 2024-12-30.

Conditions:
Chédiak-Higashi syndrome (CHS). Also called: Chediak-Higashi Syndrome. Identifiers: Orphanet 167, MedGen C0007965, MONDO:0008963, OMIM 214500.

Allele frequency attached by ClinVar (database versions not stated): TOPMed 0.00010; gnomAD 0.00011 and 0.00013.
gnomAD v4.1: 386 of 1,613,102 alleles (0.024%); highest among the groups gnomAD compares: Non-Finnish European, 0.031%; no homozygotes.

Submissions (4):

Labcorp Genetics (formerly Invitae), Labcorp
Classification: Uncertain significance for Chédiak-Higashi syndrome. Last evaluated: 2024-12-30. Review status: criteria provided, single submitter. Criteria: Invitae Variant Classification Sherloc (09022015). Collection method: clinical testing. Allele origin: germline.
Comment: This sequence change replaces arginine, which is basic and polar, with glutamine, which is neutral and polar, at codon 813 of the LYST protein (p.Arg813Gln). This variant is present in population databases (rs558162561, gnomAD 0.02%). This variant has not been reported in the literature in individuals affected with LYST-related conditions. ClinVar contains an entry for this variant (Variation ID: 648223). Invitae Evidence Modeling of protein sequence and biophysical properties (such as structural, functional, and spatial information, amino acid conservation, physicochemical variation, residue mobility, and thermodynamic stability) indicates that this missense variant is expected to disrupt LYST protein function with a positive predictive value of 80%. In summary, the available evidence is currently insufficient to determine the role of this variant in disease. Therefore, it has been classified as a Variant of Uncertain Significance.

Mayo Clinic Laboratories, Mayo Clinic
Classification: Uncertain significance. Last evaluated: 2024-12-09. Review status: criteria provided, single submitter. Criteria: ACMG Guidelines, 2015. Collection method: clinical testing. Allele origin: germline. Observed: 3 variant alleles.
Comment: PP2, PM1_supporting

Women's Health and Genetics/Laboratory Corporation of America, LabCorp
Classification: Uncertain significance. Last evaluated: 2024-04-04. Review status: criteria provided, single submitter. Criteria: LabCorp Variant Classification Summary - May 2015. Collection method: clinical testing. Allele origin: germline.
Comment: Variant summary: LYST c.2438G>A (p.Arg813Gln) results in a conservative amino acid change in the encoded protein sequence. Three of four in-silico tools predict a damaging effect of the variant on protein function. The variant allele was found at a frequency of 8e-05 in 251080 control chromosomes. This frequency is not significantly higher than estimated for a pathogenic variant in LYST causing Chediak-Higashi Syndrome (8e-05 vs 0.0011), allowing no conclusion about variant significance. To our knowledge, no occurrence of c.2438G>A in individuals affected with Chediak-Higashi Syndrome and no experimental evidence demonstrating its impact on protein function have been reported. ClinVar contains an entry for this variant (Variation ID: 648223). Based on the evidence outlined above, the variant was classified as uncertain significance.

Revvity Omics, Revvity
Classification: Uncertain significance for Chédiak-Higashi syndrome. Last evaluated: 2019-06-25. Review status: criteria provided, single submitter. Criteria: ACMG Guidelines, 2015. Collection method: clinical testing. Allele origin: germline.